The following is an entry in ClinVar:

ClinVar aggregate classification (germline): Uncertain significance. Review status: criteria provided, multiple submitters, no conflicts (2 of 4 stars). 2 submissions from 2 submitters: Uncertain significance (2). Last evaluated 2025-05-13.

Conditions:
Autoimmune lymphoproliferative syndrome type 2A (ALPS2A). Also called: CASP10-Related Autoimmune Lymphoproliferative Syndrome; AUTOIMMUNE LYMPHOPROLIFERATIVE SYNDROME, TYPE IIA; Autoimmune lymphoproliferative syndrome type 2. Identifiers: Orphanet 3261, MedGen C1858968, MONDO:0011383, OMIM 603909.

Allele frequency attached by ClinVar (database versions not stated): gnomAD exomes below 0.00001.

Submissions (2):

Ambry Genetics
Classification: Uncertain significance. Last evaluated: 2025-05-13. Review status: criteria provided, single submitter. Criteria: Ambry Variant Classification Scheme 2023. Collection method: clinical testing. Allele origin: germline.

Labcorp Genetics (formerly Invitae), Labcorp
Classification: Uncertain significance for Autoimmune lymphoproliferative syndrome type 2A. Last evaluated: 2022-01-16. Review status: criteria provided, single submitter. Criteria: Invitae Variant Classification Sherloc (09022015). Collection method: clinical testing. Allele origin: germline.
Comment: This sequence change replaces threonine, which is neutral and polar, with lysine, which is basic and polar, at codon 198 of the CASP10 protein (p.Thr198Lys). This variant is not present in population databases (gnomAD no frequency). This variant has not been reported in the literature in individuals affected with CASP10-related conditions. Algorithms developed to predict the effect of missense changes on protein structure and function are either unavailable or do not agree on the potential impact of this missense change (SIFT: "Deleterious"; PolyPhen-2: "Benign"; Align-GVGD: "Class C0"). In summary, the available evidence is currently insufficient to determine the role of this variant in disease. Therefore, it has been classified as a Variant of Uncertain Significance.

NM_032977.4(CASP10):c.593C>A (p.Thr198Lys)

Gene: CASP10 (caspase 10; plus strand). Cytogenetic location: 2q33.1.
Variant type: single nucleotide variant.
Coding change: c.593C>A on transcript NM_032977.4 (MANE Select); coding-DNA position 593, C replaced by A.
Protein change: p.Thr198Lys; replaces threonine 198 with lysine.
Molecular consequence: missense variant.
Genome position (GRCh38, 1-based): chr2:201,195,857, C>A. VCF-style: chr2-201195857-C-A. GRCh37 (hg19) VCF-style: chr2-202060580-C-A.
Other names: c.593C>A, p.Thr198Lys (NM_001206524.2, NM_001206542.2, NM_001230.5 and 3 more transcripts); short protein forms T198K.
Identifiers: ClinVar variation 2186100 (VCV002186100.5), dbSNP rs2469395868, ClinGen allele CA350279468.